The following is an entry in ClinVar:

ClinVar aggregate classification (germline): Uncertain significance (1 of 4 stars; one submission).

Allele frequency attached by ClinVar (database versions not stated): gnomAD 0.00001.
gnomAD v4.1: 5 of 1,614,028 alleles (0.00031%); highest among the groups gnomAD compares: African/African-American, 0.0013%; no homozygotes.

Submission:

Labcorp Genetics (formerly Invitae), Labcorp
Classification: Uncertain significance. Last evaluated: 2023-04-03. Review status: criteria provided, single submitter. Criteria: Invitae Variant Classification Sherloc (09022015). Collection method: clinical testing. Allele origin: germline.
Comment: In summary, the available evidence is currently insufficient to determine the role of this variant in disease. Therefore, it has been classified as a Variant of Uncertain Significance. Advanced modeling of protein sequence and biophysical properties (such as structural, functional, and spatial information, amino acid conservation, physicochemical variation, residue mobility, and thermodynamic stability) performed at Invitae indicates that this missense variant is not expected to disrupt DNAH9 protein function. This variant has not been reported in the literature in individuals affected with DNAH9-related conditions. This variant is present in population databases (no rsID available, gnomAD 0.0009%). This sequence change replaces proline, which is neutral and non-polar, with serine, which is neutral and polar, at codon 1037 of the DNAH9 protein (p.Pro1037Ser).

NM_001372.4(DNAH9):c.3109C>T (p.Pro1037Ser)

Genes: DNAH9 (dynein axonemal heavy chain 9; plus strand), LOC126862505 (BRD4-independent group 4 enhancer GRCh37_chr17:11572478-11573677; plus strand). Cytogenetic location: 17p12.
Variant type: single nucleotide variant.
Coding change: c.3109C>T on transcript NM_001372.4 (MANE Select); coding-DNA position 3109, C replaced by T.
Protein change: p.Pro1037Ser; replaces proline 1037 with serine.
Molecular consequence: missense variant.
Genome position (GRCh38, 1-based): chr17:11,669,550, C>T. VCF-style: chr17-11669550-C-T. GRCh37 (hg19) VCF-style: chr17-11572867-C-T.
Other names: short protein forms P1037S.
Identifiers: ClinVar variation 2804006 (VCV002804006.3), dbSNP rs1294298953, ClinGen allele CA398182629.
Genomic context (GRCh38, chr17:11,669,550, plus strand): 5'-TATGTGGAGGACCGGAAGGAGGTTCTGGGTCAGTTTCTGCTGTACGGGCACATCCTCACT[C>T]CGGAAGAAATTGAAGACCATGTGGAAGATGGCATCCCAGAGAACCCTCCCCTCCTTTCTC-3'
Protein context (NP_001363.2, residues 1027-1047): QFLLYGHILT[Pro1037Ser]EEIEDHVEDG